The following is an entry in ClinVar:

ClinVar aggregate classification (germline): Pathogenic (1 of 4 stars; one submission).

Submission:

Labcorp Genetics (formerly Invitae), Labcorp
Classification: Pathogenic. Last evaluated: 2023-12-30. Review status: criteria provided, single submitter. Criteria: Invitae Variant Classification Sherloc (09022015). Collection method: clinical testing. Allele origin: germline.
Comment: This sequence change creates a premature translational stop signal (p.Asn1768Metfs*10) in the EYS gene. It is expected to result in an absent or disrupted protein product. Loss-of-function variants in EYS are known to be pathogenic (PMID: 18836446, 20333770). This variant is not present in population databases (gnomAD no frequency). This variant has not been reported in the literature in individuals affected with EYS-related conditions. For these reasons, this variant has been classified as Pathogenic.

Literature cited by the submitters: PubMed 18836446; PubMed 20333770.

NM_001142800.2(EYS):c.5303del (p.Asn1768fs)

Gene: EYS (EGF-like photoreceptor maintenance factor; minus strand). Cytogenetic location: 6q12.
Variant type: Deletion.
Coding change: c.5303del on transcript NM_001142800.2 (MANE Select); coding-DNA position 5303, one base deleted (A; older notation c.5303delA).
Protein change: p.Asn1768fs; shifts the reading frame from asparagine 1768.
Molecular consequence: frameshift variant.
Genome position (GRCh38, 1-based): chr6:64,590,564, T deleted on the plus strand (A on the coding strand, the reverse complement: EYS is on the minus strand); the first of 3 consecutive T bases (chr6:64,590,564-64,590,566); deleting any one gives the same sequence. VCF-style (leftmost placement, unchanged base first): chr6-64590563-AT-A. GRCh37 (hg19) VCF-style: chr6-65300456-AT-A.
Other names: c.5303del, p.Asn1768fs (NM_001292009.2); short protein forms N1768fs.
Identifiers: ClinVar variation 2706670 (VCV002706670.3), dbSNP rs2533149911, ClinGen allele CA2697553552.